The following is an entry in ClinVar:

ClinVar aggregate classification (germline): Uncertain significance (1 of 4 stars; one submission).

Conditions:
Cardiovascular phenotype. Identifiers: MedGen CN230736.

Submission:

Ambry Genetics
Classification: Uncertain significance for Cardiovascular phenotype. Last evaluated: 2026-05-28. Review status: criteria provided, single submitter. Criteria: Ambry Variant Classification Scheme 2023. Collection method: clinical testing. Allele origin: germline.
Comment: The p.I818T variant (also known as c.2453T>C), located in coding exon 6 of the ALPK3 gene, results from a T to C substitution at nucleotide position 2453. The isoleucine at codon 818 is replaced by threonine, an amino acid with similar properties. This amino acid position is conserved. In addition, this alteration is predicted to be tolerated by in silico analysis. Based on the available evidence, the clinical significance of this variant remains unclear.

NM_020778.5(ALPK3):c.1847T>C (p.Ile616Thr)

Gene: ALPK3 (alpha kinase 3; plus strand). Cytogenetic location: 15q25.3.
Variant type: single nucleotide variant.
Coding change: c.1847T>C on transcript NM_020778.5 (MANE Select); coding-DNA position 1847, T replaced by C.
Protein change: p.Ile616Thr; replaces isoleucine 616 with threonine.
Molecular consequence: missense variant.
Genome position (GRCh38, 1-based): chr15:84,856,585, T>C. VCF-style: chr15-84856585-T-C. GRCh37 (hg19) VCF-style: chr15-85399816-T-C.
Other names: short protein forms I616T.
Identifiers: ClinVar variation 4871314 (VCV004871314.1).
Genomic context (GRCh38, chr15:84,856,585, plus strand): 5'-GGAGAACATCTGCTAACCAGAGAACTGGAAGCAAGAAGAATGTGCAGGCAGATGGGAAGA[T>C]ACAAGTGGATGGAAGGACCAGGGGAGATGGAACACAGACAGCCCAGAGGACACGTGCAGA-3'
Protein context (NP_065829.4, residues 606-626): SKKNVQADGK[Ile616Thr]QVDGRTRGDG